The following is an entry in ClinVar:

ClinVar aggregate classification (germline): Uncertain significance (1 of 4 stars; one submission).

Conditions:
Inborn genetic diseases. Identifiers: MedGen C0950123, MeSH D030342.

Submission:

Ambry Genetics
Classification: Uncertain significance for Inborn genetic diseases. Last evaluated: 2026-09-12. Review status: criteria provided, single submitter. Criteria: Ambry Variant Classification Scheme 2023. Collection method: clinical testing. Allele origin: germline.
Comment: The p.S43P variant (also known as c.127T>C), located in coding exon 2 of the HAX1 gene, results from a T to C substitution at nucleotide position 127. The serine at codon 43 is replaced by proline, an amino acid with similar properties. This amino acid position is conserved. In addition, this alteration is predicted to be tolerated by in silico analysis. Based on the available evidence, the clinical significance of this variant remains unclear.

NM_006118.4(HAX1):c.127T>C (p.Ser43Pro)

Gene: HAX1 (HCLS1 associated protein X-1; plus strand). Cytogenetic location: 1q21.3.
Variant type: single nucleotide variant.
Coding change: c.127T>C on transcript NM_006118.4 (MANE Select); coding-DNA position 127, T replaced by C.
Protein change: p.Ser43Pro; replaces serine 43 with proline.
Molecular consequence: missense variant. On other transcripts: intron variant (1).
Genome position (GRCh38, 1-based): chr1:154,273,409, T>C. VCF-style: chr1-154273409-T-C. GRCh37 (hg19) VCF-style: chr1-154245885-T-C.
Other names: c.54-71T>C (NM_001018837.2); short protein forms S43P.
Identifiers: ClinVar variation 5022595 (VCV005022595.1).